The following is an entry in ClinVar:

NM_000059.4(BRCA2):c.10212_10213del (p.Cys3404_Glu3405delinsTer)

Gene: BRCA2 (BRCA2 DNA repair associated; plus strand). Cytogenetic location: 13q13.1.
Variant type: Microsatellite.
Coding change: c.10212_10213del on transcript NM_000059.4 (MANE Select); coding-DNA positions 10212 to 10213, 2 bases deleted (TG; older notation c.10212_10213delTG).
Protein change: p.Cys3404_Glu3405delinsTer.
Molecular consequence: nonsense.
Genome position (GRCh38, 1-based): chr13:32,398,725-32,398,726, TG deleted; deleting any 2 consecutive bases within chr13:32,398,723-32,398,726 gives the same sequence; the c. name uses the placement nearest the transcript's 3' end. VCF-style (leftmost placement, unchanged base first): chr13-32398722-ATG-A. GRCh37 (hg19) VCF-style: chr13-32972859-ATG-A.
Other names: c.10212_10213delTG (NM_000059.3, NM_000059.4).
Identifiers: ClinVar variation 234096 (VCV000234096.14), dbSNP rs876660845, ClinGen allele CA10579862.
Genomic context (GRCh38, chr13:32,398,722, plus strand): 5'-ACGACGTTGTACTACATCTCTGATCAAAGAACAGGAGAGTTCCCAGGCCAGTACGGAAGA[ATG>A]TGAGAAAAATAAGCAGGACACAATTACAACTAAAAAATATATCTAAGCATTTGCAAAGGC-3'

ClinVar aggregate classification (germline): Conflicting classifications of pathogenicity. Review status: criteria provided, conflicting classifications (1 of 4 stars). 3 submissions from 3 submitters: Uncertain significance (1); Likely benign (2). Last evaluated 2024-03-15.

Conditions:
Hereditary breast ovarian cancer syndrome. Also called: Hereditary breast and ovarian cancer syndrome; BRCA1- and BRCA2-Associated Hereditary Breast and Ovarian Cancer; Breast and ovarian cancer; Hereditary breast and/or ovarian cancer syndrome; Hereditary breast and ovarian cancer; Hereditary breast and ovarian cancer syndrome (HBOC). Identifiers: Orphanet 145, MedGen C0677776, MeSH D061325, MONDO:0003582. Disease mechanism: loss of function.
Hereditary cancer-predisposing syndrome. Also called: Neoplastic Syndromes, Hereditary; Tumor predisposition; Hereditary Cancer Syndrome; Hereditary neoplastic syndrome. Identifiers: Orphanet 140162, MedGen C0027672, MeSH D009386, MONDO:0015356.

Submissions (3):

Labcorp Genetics (formerly Invitae), Labcorp
Classification: Likely benign for Hereditary breast ovarian cancer syndrome. Last evaluated: 2024-03-15. Review status: criteria provided, single submitter. Criteria: Invitae Variant Classification Sherloc (09022015). Collection method: clinical testing. Allele origin: germline.

Women's Health and Genetics/Laboratory Corporation of America, LabCorp
Classification: Uncertain significance. Last evaluated: 2023-11-02. Review status: criteria provided, single submitter. Criteria: LabCorp Variant Classification Summary - May 2015. Collection method: clinical testing. Allele origin: germline.
Comment: Variant summary: BRCA2 c.10212_10213delTG (p.Cys3404X) results in a premature termination codon and is predicted to cause a truncation of the encoded protein but is not expected to result in absence of the protein due to nonsense mediated decay. The variant was absent in 250744 control chromosomes (gnomAD). The available data on variant occurrences in the general population are insufficient to allow any conclusion about variant significance. To our knowledge, no occurrence of c.10212_10213delTG in individuals affected with Hereditary Breast And Ovarian Cancer Syndrome and no experimental evidence demonstrating its impact on protein function have been reported. Two submitters have cited clinical-significance assessments for this variant to ClinVar after 2014. Both submitters classified the variant as likely benign. Based on the evidence outlined above, the variant was classified as uncertain significance.

Ambry Genetics
Classification: Likely benign for Hereditary cancer-predisposing syndrome. Last evaluated: 2019-01-18. Review status: criteria provided, single submitter. Criteria: Ambry Variant Classification Scheme 2023. Collection method: clinical testing. Allele origin: germline.